The following is an entry in ClinVar:

ClinVar aggregate classification (germline): Uncertain significance (1 of 4 stars; one submission).

Conditions:
Cutis laxa, autosomal recessive, type 1B (ARCL1B). Also called: CUTIS LAXA, AUTOSOMAL RECESSIVE, TYPE IB; EFEMP2-Related Cutis Laxa. Identifiers: Orphanet 90349, MedGen C3280798, MONDO:0013754, OMIM 614437. Disease mechanism: loss of function.

Allele frequency attached by ClinVar (database versions not stated): gnomAD exomes below 0.00001; TOPMed 0.00002.
gnomAD v4.1: 2 of 1,614,156 alleles (0.00012%); highest among the groups gnomAD compares: Non-Finnish European, 0.00017%; no homozygotes.

Submission:

Labcorp Genetics (formerly Invitae), Labcorp
Classification: Uncertain significance for Cutis laxa, autosomal recessive, type 1B. Last evaluated: 2018-01-31. Review status: criteria provided, single submitter. Criteria: Invitae Variant Classification Sherloc (09022015). Collection method: clinical testing. Allele origin: germline.
Comment: In summary, the available evidence is currently insufficient to determine the role of this variant in disease. Therefore, it has been classified as a Variant of Uncertain Significance. This sequence change replaces proline with leucine at codon 404 of the EFEMP2 protein (p.Pro404Leu). The proline residue is highly conserved and there is a moderate physicochemical difference between proline and leucine. This variant is not present in population databases (ExAC no frequency). This variant has not been reported in the literature in individuals with EFEMP2-related disease. Algorithms developed to predict the effect of missense changes on protein structure and function do not agree on the potential impact of this missense change (SIFT: "Deleterious"; PolyPhen-2: "Benign"; Align-GVGD: "Class C65").

NM_016938.5(EFEMP2):c.1211C>T (p.Pro404Leu)

Genes: MUS81 (MUS81 structure-specific endonuclease subunit; plus strand), EFEMP2 (EGF-like fibulin extracellular matrix protein 2; minus strand). Cytogenetic location: 11q13.1.
Variant type: single nucleotide variant.
Coding change: c.1211C>T on transcript NM_016938.5 (MANE Select); coding-DNA position 1211, C replaced by T.
Protein change: p.Pro404Leu; replaces proline 404 with leucine.
Molecular consequence: missense variant. On other transcripts: non-coding transcript variant (1).
Genome position (GRCh38, 1-based): chr11:65,867,039, G>A on the plus strand (C>T on the coding strand, the complement: EFEMP2 is on the minus strand). VCF-style: chr11-65867039-G-A. GRCh37 (hg19) VCF-style: chr11-65634510-G-A.
Other names: short protein forms P404L.
Identifiers: ClinVar variation 568624 (VCV000568624.8), dbSNP rs753393039, ClinGen allele CA224016588.